The following is an entry in ClinVar:

NM_003923.3(FOXH1):c.214_217del (p.Glu72fs)

Gene: FOXH1 (forkhead box H1; minus strand). Cytogenetic location: 8q24.3.
Variant type: Deletion.
Coding change: c.214_217del on transcript NM_003923.3 (MANE Select); coding-DNA positions 214 to 217, 4 bases deleted (GAAG; older notation c.214_217delGAAG).
Protein change: p.Glu72fs; shifts the reading frame from glutamic acid 72.
Molecular consequence: frameshift variant.
Genome position (GRCh38, 1-based): chr8:144,475,219-144,475,222, CTTC deleted on the plus strand (GAAG on the coding strand, the reverse complement: FOXH1 is on the minus strand); deleting any 4 consecutive bases within chr8:144,475,219-144,475,223 gives the same sequence; the c. name uses the placement nearest the transcript's 3' end. VCF-style (leftmost placement, unchanged base first): chr8-144475218-TCTTC-T. GRCh37 (hg19) VCF-style: chr8-145700601-TCTTC-T.
Other names: short protein forms E72fs.
Identifiers: ClinVar variation 3019778 (VCV003019778.3), dbSNP rs1400915366, ClinGen allele CA585832586.
Genomic context (GRCh38, chr8:144,475,218, plus strand): 5'-TTGCGGAAGCATCGGTTGGAGGAAAGGTTGTGGCGAATGGAGTCTTTCCAGCCCTCGTAG[TCTTC>T]CCTGAAGAAGGGGAACACGGCCTGGACCTGACGGATGATCTGAAACCGCCAGGCGGCCGG-3'

ClinVar aggregate classification (germline): Uncertain significance (1 of 4 stars; one submission).

Conditions:
Holoprosencephaly sequence (HPE). Also called: Holoprosencephaly. Identifiers: Orphanet 2162, MedGen C0079541, MONDO:0016296, HP:0001360.

Submission:

Labcorp Genetics (formerly Invitae), Labcorp
Classification: Uncertain significance for Holoprosencephaly sequence. Last evaluated: 2023-07-13. Review status: criteria provided, single submitter. Criteria: Invitae Variant Classification Sherloc (09022015). Collection method: clinical testing. Allele origin: germline.
Comment: Experimental studies and prediction algorithms are not available or were not evaluated, and the functional significance of this variant is currently unknown. This variant has not been reported in the literature in individuals affected with FOXH1-related conditions. This variant is present in population databases (no rsID available, gnomAD 0.0009%). This sequence change creates a premature translational stop signal (p.Glu72Thrfs*40) in the FOXH1 gene. While this is not anticipated to result in nonsense mediated decay, it is expected to disrupt the last 294 amino acid(s) of the FOXH1 protein. In summary, the available evidence is currently insufficient to determine the role of this variant in disease. Therefore, it has been classified as a Variant of Uncertain Significance.